The following is an entry in ClinVar:

ClinVar aggregate classification (germline): Conflicting classifications of pathogenicity. Review status: criteria provided, conflicting classifications (1 of 4 stars). 2 submissions from 2 submitters: Uncertain significance (1); Likely benign (1). Last evaluated 2024-06-25.

Conditions:
Cardiovascular phenotype. Identifiers: MedGen CN230736.
Long QT syndrome (LQTS). Identifiers: MedGen C0023976, MeSH D008133, MONDO:0002442. Disease mechanism: loss of function. Inheritance: Various modes of inheritance.

Allele frequency attached by ClinVar (database versions not stated): TOPMed below 0.00001; ExAC 0.00002; gnomAD exomes 0.00003.
gnomAD v4.1: 19 of 1,614,042 alleles (0.0012%); highest among the groups gnomAD compares: Middle Eastern, 0.033%; no homozygotes.

Submissions (2):

Labcorp Genetics (formerly Invitae), Labcorp
Classification: Uncertain significance for Long QT syndrome. Last evaluated: 2024-06-25. Review status: criteria provided, single submitter. Criteria: Invitae Variant Classification Sherloc (09022015). Collection method: clinical testing. Allele origin: germline.
Comment: This sequence change replaces cysteine, which is neutral and slightly polar, with phenylalanine, which is neutral and non-polar, at codon 2777 of the ANK2 protein (p.Cys2777Phe). This variant is present in population databases (rs769322588, gnomAD 0.005%). This missense change has been observed in individual(s) with clinical features of ANK2-related conditions (PMID: 30847666). ClinVar contains an entry for this variant (Variation ID: 457060). An algorithm developed to predict the effect of missense changes on protein structure and function (PolyPhen-2) suggests that this variant is likely to be tolerated. In summary, the available evidence is currently insufficient to determine the role of this variant in disease. Therefore, it has been classified as a Variant of Uncertain Significance.

Ambry Genetics
Classification: Likely benign for Cardiovascular phenotype. Last evaluated: 2021-03-09. Review status: criteria provided, single submitter. Criteria: Ambry Variant Classification Scheme 2023. Collection method: clinical testing. Allele origin: germline.

Literature cited by the submitters: PubMed 30847666 (cited by Labcorp Genetics (formerly Invitae), Labcorp and Ambry Genetics).

NM_001148.6(ANK2):c.8330G>T (p.Cys2777Phe)

Gene: ANK2 (ankyrin 2; plus strand). Cytogenetic location: 4q26.
Variant type: single nucleotide variant.
Coding change: c.8330G>T on transcript NM_001148.6 (MANE Select); coding-DNA position 8330, G replaced by T.
Protein change: p.Cys2777Phe; replaces cysteine 2777 with phenylalanine.
Molecular consequence: missense variant. On other transcripts: intron variant (68).
Genome position (GRCh38, 1-based): chr4:113,356,948, G>T. VCF-style: chr4-113356948-G-T. GRCh37 (hg19) VCF-style: chr4-114278104-G-T.
Other names: c.8096G>T, p.Cys2699Phe (NM_001386142.1); c.4730G>T, p.Cys1577Phe (NM_001386166.1); c.8471G>T, p.Cys2824Phe (NM_001386174.1); c.8447G>T, p.Cys2816Phe (NM_001386175.1); c.4412-3875G>T (NM_001386186.2, NM_001386148.2); c.4214-3875G>T (NM_001354269.3); c.4292-3875G>T (NM_001386187.2); c.4253-3875G>T (NM_001386147.1); and 35 more; short protein forms C2777F, C1577F, C2699F, C2816F, C2824F.
Identifiers: ClinVar variation 457060 (VCV000457060.7), dbSNP rs769322588, ClinGen allele CA3051753.